The following is an entry in ClinVar:

ClinVar aggregate classification (germline): Uncertain significance (1 of 4 stars; one submission).

Conditions:
Inborn genetic diseases. Identifiers: MedGen C0950123, MeSH D030342.

Submission:

Ambry Genetics
Classification: Uncertain significance for Inborn genetic diseases. Last evaluated: 2025-03-15. Review status: criteria provided, single submitter. Criteria: Ambry Variant Classification Scheme 2023. Collection method: clinical testing. Allele origin: germline.
Comment: The p.N489T variant (also known as c.1466A>C), located in coding exon 11 of the DNMT3A gene, results from an A to C substitution at nucleotide position 1466. The asparagine at codon 489 is replaced by threonine, an amino acid with similar properties. This amino acid position is conserved. In addition, this alteration is predicted to be tolerated by in silico analysis. Based on the available evidence, the clinical significance of this variant remains unclear.

NM_022552.5(DNMT3A):c.1466A>C (p.Asn489Thr)

Gene: DNMT3A (DNA methyltransferase 3 alpha; minus strand). Cytogenetic location: 2p23.3.
Variant type: single nucleotide variant.
Coding change: c.1466A>C on transcript NM_022552.5 (MANE Select); coding-DNA position 1466, A replaced by C.
Protein change: p.Asn489Thr; replaces asparagine 489 with threonine.
Molecular consequence: missense variant. On other transcripts: non-coding transcript variant (1).
Genome position (GRCh38, 1-based): chr2:25,246,028, T>G on the plus strand (A>C on the coding strand, the complement: DNMT3A is on the minus strand). VCF-style: chr2-25246028-T-G. GRCh37 (hg19) VCF-style: chr2-25468897-T-G.
Other names: c.1010A>C, p.Asn337Thr (NM_001320893.1); c.797A>C, p.Asn266Thr (NM_001375819.1); c.899A>C, p.Asn300Thr (NM_153759.3); c.1466A>C, p.Asn489Thr (NM_175629.2); short protein forms N489T, N266T, N300T, N337T.
Identifiers: ClinVar variation 4013881 (VCV004013881.1).